The following is an entry in ClinVar:

ClinVar aggregate classification (germline): Uncertain significance (1 of 4 stars; one submission).

Conditions:
Familial cancer of breast. Also called: Hereditary breast cancer; hereditary breast carcinoma; BREAST CANCER, FAMILIAL. Identifiers: Orphanet 227535, MedGen C0346153, MONDO:0016419, OMIM 114480. Disease mechanism: loss of function.

Submission:

Labcorp Genetics (formerly Invitae), Labcorp
Classification: Uncertain significance for Familial cancer of breast. Last evaluated: 2025-01-12. Review status: criteria provided, single submitter. Criteria: Invitae Variant Classification Sherloc (09022015). Collection method: clinical testing. Allele origin: germline.
Comment: This sequence change replaces glutamic acid, which is acidic and polar, with lysine, which is basic and polar, at codon 322 of the PALB2 protein (p.Glu322Lys). This variant is not present in population databases (gnomAD no frequency). This variant has not been reported in the literature in individuals affected with PALB2-related conditions. ClinVar contains an entry for this variant (Variation ID: 654774). Invitae Evidence Modeling of protein sequence and biophysical properties (such as structural, functional, and spatial information, amino acid conservation, physicochemical variation, residue mobility, and thermodynamic stability) has been performed for this missense variant. However, the output from this modeling did not meet the statistical confidence thresholds required to predict the impact of this variant on PALB2 protein function. In summary, the available evidence is currently insufficient to determine the role of this variant in disease. Therefore, it has been classified as a Variant of Uncertain Significance.

NM_024675.4(PALB2):c.964G>A (p.Glu322Lys)

Gene: PALB2 (partner and localizer of BRCA2; minus strand). Cytogenetic location: 16p12.2.
Variant type: single nucleotide variant.
Coding change: c.964G>A on transcript NM_024675.4 (MANE Select); coding-DNA position 964, G replaced by A.
Protein change: p.Glu322Lys; replaces glutamic acid 322 with lysine.
Molecular consequence: missense variant.
Genome position (GRCh38, 1-based): chr16:23,635,582, C>T on the plus strand (G>A on the coding strand, the complement: PALB2 is on the minus strand). VCF-style: chr16-23635582-C-T. GRCh37 (hg19) VCF-style: chr16-23646903-C-T.
Other names: short protein forms E322K.
Identifiers: ClinVar variation 654774 (VCV000654774.9), dbSNP rs1597097656, ClinGen allele CA395134949.
Genomic context (GRCh38, chr16:23,635,582, plus strand): 5'-TTTCATTTGCTGGTAAGTTATTGTAGGTGAGTTCATTTAGAGAACATGAAATATTTGCCT[C>T]TAAATTAGAACTTGTGGGCAGTTGGCCACTTTTACTTATAGCTTTATTTACAAGGAGGTT-3'
Protein context (NP_078951.2, residues 312-332): SGQLPTSSNL[Glu322Lys]ANISCSLNEL